The following is an entry in ClinVar:

ClinVar aggregate classification (germline): Conflicting classifications of pathogenicity. Review status: criteria provided, conflicting classifications (1 of 4 stars). 13 submissions from 13 submitters: Uncertain significance (10); Likely benign (2). 1 of the submissions does not count toward it. Last evaluated 2026-01-25.

Conditions:
Mismatch repair cancer syndrome 3. Identifiers: MedGen C5436807, MONDO:0030841, OMIM 619097.
Endometrial carcinoma. Also called: Endometrial carcinoma, somatic. Identifiers: MedGen C0476089, MONDO:0002447, OMIM 608089, HP:0012114.
Lynch syndrome 5 (LYNCH5). Also called: Colorectal cancer, hereditary nonpolyposis, type 5; Hereditary non-polyposis colorectal cancer, type 5. Identifiers: Orphanet 144, MedGen C1833477, MONDO:0013710, OMIM 614350. Disease mechanism: loss of function.
Hereditary nonpolyposis colorectal neoplasms. Identifiers: MedGen C0009405, MeSH D003123.
Hereditary cancer-predisposing syndrome. Also called: Neoplastic Syndromes, Hereditary; Tumor predisposition; Hereditary Cancer Syndrome; Hereditary neoplastic syndrome. Identifiers: Orphanet 140162, MedGen C0027672, MeSH D009386, MONDO:0015356.
Mismatch repair cancer syndrome 1 (MMRCS1). Also called: BRAIN TUMOR-POLYPOSIS SYNDROME 1; BTP1 SYNDROME; CHILDHOOD CANCER SYNDROME; MISMATCH REPAIR DEFICIENCY; MMR DEFICIENCY. Identifiers: Orphanet 252202, MedGen C5399763, MONDO:0010159, OMIM 276300. Disease mechanism: loss of function.

Allele frequency attached by ClinVar (database versions not stated): gnomAD exomes below 0.00001; ExAC 0.00001; gnomAD 0.00001; TOPMed 0.00002.
gnomAD v4.1: 14 of 1,574,126 alleles (0.00089%); highest among the groups gnomAD compares: African/African-American, 0.0027%; no homozygotes.

Submissions (13):

Labcorp Genetics (formerly Invitae), Labcorp
Classification: Likely benign for Hereditary nonpolyposis colorectal neoplasms. Last evaluated: 2026-01-25. Review status: criteria provided, single submitter. Criteria: Invitae Variant Classification Sherloc (09022015). Collection method: clinical testing. Allele origin: germline.

Color Diagnostics, LLC DBA Color Health
Classification: Likely benign for Hereditary cancer-predisposing syndrome. Last evaluated: 2025-08-13. Review status: criteria provided, single submitter. Criteria: ACMG Guidelines, 2015. Collection method: clinical testing. Allele origin: germline.

Ambry Genetics
Classification: Uncertain significance for Hereditary cancer-predisposing syndrome. Last evaluated: 2024-04-27. Review status: criteria provided, single submitter. Criteria: Ambry Variant Classification Scheme 2023. Collection method: clinical testing. Allele origin: germline.
Comment: The p.T987A variant (also known as c.2959A>G), located in coding exon 4 of the MSH6 gene, results from an A to G substitution at nucleotide position 2959. The threonine at codon 987 is replaced by alanine, an amino acid with similar properties. This amino acid position is not well conserved in available vertebrate species. In addition, this alteration is predicted to be tolerated by in silico analysis. Since supporting evidence is limited at this time, the clinical significance of this alteration remains unclear.

Baylor Genetics
Classification: Uncertain significance for Endometrial carcinoma. Last evaluated: 2024-02-14. Review status: criteria provided, single submitter. Criteria: ACMG Guidelines, 2015. Collection method: clinical testing. Allele origin: unknown.

Department of Pathology and Laboratory Medicine, Sinai Health System
Classification: Uncertain significance for Endometrial carcinoma; Lynch syndrome 5; Mismatch repair cancer syndrome 3. Last evaluated: 2023-08-18. Review status: criteria provided, single submitter. Criteria: ACMG Guidelines, 2015. Collection method: clinical testing. Allele origin: germline. Affected: yes.

Myriad Genetics, Inc.
Classification: Uncertain significance for Lynch syndrome 5. Last evaluated: 2023-03-28. Review status: criteria provided, single submitter. Criteria: Myriad Autosomal Dominant, Autosomal Recessive and X-Linked Classification Criteria (2023). Collection method: clinical testing. Allele origin: unknown.
Comment: This variant is classified as a variant of uncertain significance as there is insufficient evidence to determine its impact on protein function and/or cancer risk.

GeneDx
Classification: Uncertain significance. Last evaluated: 2022-03-02. Review status: criteria provided, single submitter. Criteria: GeneDx Variant Classification Process June 2021. Collection method: clinical testing. Allele origin: germline. Affected: yes.
Comment: Not observed at significant frequency in large population cohorts (gnomAD); In silico analysis supports that this missense variant does not alter protein structure/function; Has not been previously published as pathogenic or benign to our knowledge

Sema4
Classification: Uncertain significance for Hereditary cancer-predisposing syndrome. Last evaluated: 2021-09-03. Review status: criteria provided, single submitter. Criteria: Sema4 Curation Guidelines. Collection method: curation. Allele origin: germline.
Comment: The MSH6 c.2959A>G (p.T987A) variant has been reported in 2/60466 breast cancer cases and 0/53461 healthy controls by a large case-control study (PMID: 33471991). It was observed in 1/103190 chromosomes of the Non-Finnish European subpopulation in the large and broad cohorts of the Genome Aggregation Database (PMID: 32461654). The variant has been reported in ClinVar (Variation ID 186981). Functional studies have not been performed, and in silico predictions of the variant's effect on protein function are inconclusive. The evidence is insufficient to meet ACMG/AMP criteria for classifying the variant as benign or pathogenic. Thus, the clinical significance of this variant is currently uncertain.

Fulgent Genetics
Classification: Uncertain significance for Mismatch repair cancer syndrome 1; Endometrial carcinoma; Lynch syndrome 5. Last evaluated: 2018-10-31. Review status: criteria provided, single submitter. Criteria: ACMG Guidelines, 2015. Collection method: clinical testing. Allele origin: unknown.

Women's Health and Genetics/Laboratory Corporation of America, LabCorp
Classification: Uncertain significance. Last evaluated: 2018-04-06. Review status: criteria provided, single submitter. Criteria: LabCorp Variant Classification Summary - May 2015. Collection method: clinical testing. Allele origin: germline.
Comment: Variant summary: MSH6 c.2959A>G (p.Thr987Ala) results in a non-conservative amino acid change located in the DNA mismatch repair protein MutS, core domain (IPR007696) and the DNA mismatch repair protein MutS, clamp (IPR007861) domain of the encoded protein sequence. Four of five in-silico tools predict a benign effect of the variant on protein function. The variant allele was found at a frequency of 4.7e-06 in 214668 control chromosomes (gnomAD). The available data on variant occurrences in the general population are insufficient to allow any conclusion about variant significance. To our knowledge, no occurrence of c.2959A>G in individuals affected with Lynch Syndrome and no experimental evidence demonstrating its impact on protein function have been reported. Five clinical diagnostic laboratories have submitted clinical-significance assessments for this variant to ClinVar after 2014 without evidence for independent evaluation and classified the variant as uncertain significance. Based on the evidence outlined above, the variant was classified as uncertain significance.

Quest Diagnostics Nichols Institute San Juan Capistrano
Classification: Uncertain significance. Last evaluated: 2017-06-16. Review status: criteria provided, single submitter. Criteria: Quest Diagnostics criteria. Collection method: clinical testing. Allele origin: germline.

Laboratory for Molecular Medicine, Mass General Brigham Personalized Medicine
Classification: Uncertain significance. Last evaluated: 2016-12-14. Review status: criteria provided, single submitter. Criteria: LMM Criteria. Collection method: clinical testing. Allele origin: germline.
Comment: Variant identified in a genome or exome case(s) and assessed due to predicted null impact of the variant or pathogenic assertions in the literature or databases. Disclaimer: This variant has not undergone full assessment. The following are preliminary notes: This variant is present in ExAC with a Max MAF of 0.002% (1 allele). The AA at this posistion is not conserved - 6 mammals and 2 non-mammals have an Ala at this position. This variant has not been reported in affected individuals. It is classified as VUS in ClinVar by Ambry, Invitae, and GeneDx (2 stars). The variant is predicted to be benign by prediction tools.

Counsyl
Classification: Uncertain significance for Lynch syndrome 5. Last evaluated: 2017-06-21. Review status: no assertion criteria provided. Collection method: clinical testing. Allele origin: unknown. Not counted in ClinVar's aggregate classification.

Literature cited by the submitters: PubMed 33471991 (cited by Sema4).

NM_000179.3(MSH6):c.2959A>G (p.Thr987Ala)

Gene: MSH6 (mutS homolog 6; plus strand). Cytogenetic location: 2p16.3.
Variant type: single nucleotide variant.
Coding change: c.2959A>G on transcript NM_000179.3 (MANE Select); coding-DNA position 2959, A replaced by G.
Protein change: p.Thr987Ala; replaces threonine 987 with alanine.
Molecular consequence: missense variant.
Genome position (GRCh38, 1-based): chr2:47,800,942, A>G. VCF-style: chr2-47800942-A-G. GRCh37 (hg19) VCF-style: chr2-48028081-A-G.
Other names: c.2569A>G, p.Thr857Ala (NM_001281492.2); c.2053A>G, p.Thr685Ala (NM_001281493.2, NM_001281494.2); short protein forms T987A, T685A, T857A.
Identifiers: ClinVar variation 186981 (VCV000186981.32), dbSNP rs746631156, ClinGen allele CA011202.